The following is an entry in ClinVar:

ClinVar aggregate classification (germline): Uncertain significance (1 of 4 stars; one submission).

Allele frequency attached by ClinVar (database versions not stated): gnomAD 0.00004 and 0.00005; TOPMed 0.00005; ESP Exome Variant Server 0.00008; gnomAD exomes 0.00008 and 0.00009; ExAC 0.00009; 1000 Genomes Project 30x 0.00016; 1000 Genomes Project 0.00020.

Submission:

Labcorp Genetics (formerly Invitae), Labcorp
Classification: Uncertain significance. Last evaluated: 2022-03-09. Review status: criteria provided, single submitter. Criteria: Invitae Variant Classification Sherloc (09022015). Collection method: clinical testing. Allele origin: germline.
Comment: This sequence change replaces alanine, which is neutral and non-polar, with valine, which is neutral and non-polar, at codon 671 of the KCNC3 protein (p.Ala671Val). This variant is present in population databases (rs151154830, gnomAD 0.02%). This variant has not been reported in the literature in individuals affected with KCNC3-related conditions. Advanced modeling of protein sequence and biophysical properties (such as structural, functional, and spatial information, amino acid conservation, physicochemical variation, residue mobility, and thermodynamic stability) performed at Invitae indicates that this missense variant is expected to disrupt KCNC3 protein function. In summary, the available evidence is currently insufficient to determine the role of this variant in disease. Therefore, it has been classified as a Variant of Uncertain Significance.

NM_004977.3(KCNC3):c.2012C>T (p.Ala671Val)

Gene: KCNC3 (potassium voltage-gated channel subfamily C member 3; minus strand). Cytogenetic location: 19q13.33.
Variant type: single nucleotide variant.
Coding change: c.2012C>T on transcript NM_004977.3 (MANE Select); coding-DNA position 2012, C replaced by T.
Protein change: p.Ala671Val; replaces alanine 671 with valine.
Molecular consequence: missense variant. On other transcripts: non-coding transcript variant (1).
Genome position (GRCh38, 1-based): chr19:50,320,751, G>A on the plus strand (C>T on the coding strand, the complement: KCNC3 is on the minus strand). VCF-style: chr19-50320751-G-A. GRCh37 (hg19) VCF-style: chr19-50824008-G-A.
Other names: c.1784C>T, p.Ala595Val (NM_001372305.1); short protein forms A595V, A671V.
Identifiers: ClinVar variation 1422193 (VCV001422193.6), dbSNP rs151154830, ClinGen allele CA9594130.